The following is an entry in ClinVar:

ClinVar aggregate classification (germline): Benign/Likely benign. Review status: criteria provided, multiple submitters, no conflicts (2 of 4 stars). 4 submissions from 4 submitters: Benign (1); Likely benign (3). Last evaluated 2026-09-01.

Allele frequency attached by ClinVar (database versions not stated): 1000 Genomes Project 30x 0.00016; 1000 Genomes Project 0.00020; ExAC 0.00074; gnomAD exomes 0.00095 and 0.00180; TOPMed 0.00109; gnomAD 0.00111 and 0.00112; ESP Exome Variant Server 0.00175.
gnomAD v4.1: 2,732 of 1,542,058 alleles (0.18%); highest among the groups gnomAD compares: Non-Finnish European, 0.22%; 7 homozygotes.

Submissions (4):

CeGaT Center for Human Genetics Tuebingen
Classification: Likely benign. Last evaluated: 2026-09-01. Review status: criteria provided, single submitter. Criteria: CeGaT Center For Human Genetics Tuebingen Variant Classification Criteria Version 2. Collection method: clinical testing. Allele origin: germline. Affected: yes. Observed: 2 variant alleles.
Comment: UNC80: BP4, BP7

Labcorp Genetics (formerly Invitae), Labcorp
Classification: Benign. Last evaluated: 2026-01-26. Review status: criteria provided, single submitter. Criteria: Invitae Variant Classification Sherloc (09022015). Collection method: clinical testing. Allele origin: germline.

Women's Health and Genetics/Laboratory Corporation of America, LabCorp
Classification: Likely benign. Last evaluated: 2025-06-19. Review status: criteria provided, single submitter. Criteria: LabCorp Variant Classification Summary - May 2015. Collection method: clinical testing. Allele origin: germline.

Blueprint Genetics
Classification: Likely benign. Last evaluated: 2024-11-13. Review status: criteria provided, single submitter. Criteria: ACMG Guidelines, 2015. Collection method: clinical testing. Allele origin: germline.

NM_001371986.1(UNC80):c.6357C>T (p.Tyr2119=)

Gene: UNC80 (unc-80 subunit of NALCN channel complex; plus strand). Cytogenetic location: 2q34.
Variant type: single nucleotide variant.
Coding change: c.6357C>T on transcript NM_001371986.1 (MANE Select); coding-DNA position 6357, C replaced by T.
Protein change: p.Tyr2119=; no amino-acid change (tyrosine 2119 retained).
Molecular consequence: synonymous variant.
Genome position (GRCh38, 1-based): chr2:209,936,927, C>T. VCF-style: chr2-209936927-C-T. GRCh37 (hg19) VCF-style: chr2-210801651-C-T.
Other names: c.6159C>T, p.Tyr2053= (NM_032504.2); c.6144C>T, p.Tyr2048= (NM_182587.4).
Identifiers: ClinVar variation 779410 (VCV000779410.20), dbSNP rs75953381, ClinGen allele CA2083367.